The following is an entry in ClinVar:

ClinVar aggregate classification (germline): Conflicting classifications of pathogenicity. Review status: criteria provided, conflicting classifications (1 of 4 stars). 2 submissions from 2 submitters: Uncertain significance (1); Benign (1). Last evaluated 2026-09-17.

Submissions (2):

GeneDx
Classification: Uncertain significance. Last evaluated: 2026-09-17. Review status: criteria provided, single submitter. Criteria: GeneDx Variant Classification Process June 2021. Collection method: clinical testing. Allele origin: germline.
Comment: In-frame insertion of 13 amino acid(s) in a non-repeat region; Has not been previously published as pathogenic or benign to our knowledge

Labcorp Genetics (formerly Invitae), Labcorp
Classification: Benign. Last evaluated: 2025-07-23. Review status: criteria provided, single submitter. Criteria: Invitae Variant Classification Sherloc (09022015). Collection method: clinical testing. Allele origin: germline.

NM_177986.5(DSG4):c.2295_2296insTCAGGGGCCGCAAGGAAGAGGAGCTCTACCATGGGAGCC (p.Thr765_Leu766insSerGlyAlaAlaArgLysArgSerSerThrMetGlyAla)

Genes: DSG1-AS1 (DSG1 antisense RNA 1; minus strand), DSG4 (desmoglein 4; plus strand). Cytogenetic location: 18q12.1.
Variant type: Insertion.
Coding change: c.2295_2296insTCAGGGGCCGCAAGGAAGAGGAGCTCTACCATGGGAGCC on transcript NM_177986.5 (MANE Select); coding-DNA positions 2295 to 2296, TCAGGGGCCGCAAGGAAGAGGAGCTCTACCATGGGAGCC inserted.
Protein change: p.Thr765_Leu766insSerGlyAlaAlaArgLysArgSerSerThrMetGlyAla.
Molecular consequence: inframe insertion.
Genome position: GRCh38: chr18:31,411,388-31,411,389. GRCh37 (hg19): chr18:28,991,351-28,991,352.
Other names: c.2352_2353insTCAGGGGCCGCAAGGAAGAGGAGCTCTACCATGGGAGCC, p.Thr784_Leu785insSerGlyAlaAlaArgLysArgSerSerThrMetGlyAla (NM_001134453.3).
Identifiers: ClinVar variation 710122 (VCV000710122.14), dbSNP rs577438163, ClinGen allele CA8927287.